The following is an entry in ClinVar:

NM_013275.6(ANKRD11):c.5548T>C (p.Tyr1850His)

Gene: ANKRD11 (ankyrin repeat domain 11; minus strand). Cytogenetic location: 16q24.3.
Variant type: single nucleotide variant.
Coding change: c.5548T>C on transcript NM_013275.6 (MANE Select); coding-DNA position 5548, T replaced by C.
Protein change: p.Tyr1850His; replaces tyrosine 1850 with histidine.
Molecular consequence: missense variant.
Genome position (GRCh38, 1-based): chr16:89,280,994, A>G on the plus strand (T>C on the coding strand, the complement: ANKRD11 is on the minus strand). VCF-style: chr16-89280994-A-G. GRCh37 (hg19) VCF-style: chr16-89347402-A-G.
Other names: c.5548T>C, p.Tyr1850His (NM_001256182.2, NM_001256183.2); short protein forms Y1850H.
Identifiers: ClinVar variation 2859680 (VCV002859680.3), dbSNP rs2544227470, ClinGen allele CA397153750.

ClinVar aggregate classification (germline): Uncertain significance (1 of 4 stars; one submission).

Conditions:
KBG syndrome (KBGS). Also called: ANKRD11-Related KBG Syndrome. Identifiers: Orphanet 2332, MedGen C0220687, MONDO:0007846, OMIM 148050.

Submission:

Labcorp Genetics (formerly Invitae), Labcorp
Classification: Uncertain significance for KBG syndrome. Last evaluated: 2023-04-26. Review status: criteria provided, single submitter. Criteria: Invitae Variant Classification Sherloc (09022015). Collection method: clinical testing. Allele origin: germline.
Comment: In summary, the available evidence is currently insufficient to determine the role of this variant in disease. Therefore, it has been classified as a Variant of Uncertain Significance. Advanced modeling of protein sequence and biophysical properties (such as structural, functional, and spatial information, amino acid conservation, physicochemical variation, residue mobility, and thermodynamic stability) performed at Invitae indicates that this missense variant is not expected to disrupt ANKRD11 protein function. This variant has not been reported in the literature in individuals affected with ANKRD11-related conditions. This variant is not present in population databases (gnomAD no frequency). This sequence change replaces tyrosine, which is neutral and polar, with histidine, which is basic and polar, at codon 1850 of the ANKRD11 protein (p.Tyr1850His).